The following is an entry in ClinVar:

NM_001100913.3(PACS2):c.2303C>T (p.Thr768Met)

Gene: PACS2 (phosphofurin acidic cluster sorting protein 2; plus strand). Cytogenetic location: 14q32.33.
Variant type: single nucleotide variant.
Coding change: c.2303C>T on transcript NM_001100913.3 (MANE Select); coding-DNA position 2303, C replaced by T.
Protein change: p.Thr768Met; replaces threonine 768 with methionine.
Molecular consequence: missense variant.
Genome position (GRCh38, 1-based): chr14:105,392,666, C>T. VCF-style: chr14-105392666-C-T. GRCh37 (hg19) VCF-style: chr14-105859003-C-T.
Other names: c.2033C>T, p.Thr678Met (NM_001243127.3); c.2258C>T, p.Thr753Met (NM_015197.4); short protein forms T678M, T753M, T768M.
Identifiers: ClinVar variation 3699742 (VCV003699742.2).
Genomic context (GRCh38, chr14:105,392,666, plus strand): 5'-CTGCCTTTCCCAGCCAGGGTGTCGGCGCCGAGCTGATGGGGCTGCAGGTGGACTACTGGA[C>T]GGCAGCACAGCCTGCGGACAGGAAGAGGGACGCCGAGAAGAAGGACCTGCCTGTCACCAA-3'
Protein context (NP_001094383.2, residues 758-778): ELMGLQVDYW[Thr768Met]AAQPADRKRD

ClinVar aggregate classification (germline): Uncertain significance (1 of 4 stars; one submission).

gnomAD v4.1: 9 of 1,612,156 alleles (0.00056%); highest among the groups gnomAD compares: South Asian, 0.0022%; no homozygotes.

Submission:

Labcorp Genetics (formerly Invitae), Labcorp
Classification: Uncertain significance. Last evaluated: 2024-04-25. Review status: criteria provided, single submitter. Criteria: Invitae Variant Classification Sherloc (09022015). Collection method: clinical testing. Allele origin: germline.
Comment: This sequence change replaces threonine, which is neutral and polar, with methionine, which is neutral and non-polar, at codon 768 of the PACS2 protein (p.Thr768Met). This variant is not present in population databases (gnomAD no frequency). This variant has not been reported in the literature in individuals affected with PACS2-related conditions. Advanced modeling of protein sequence and biophysical properties (such as structural, functional, and spatial information, amino acid conservation, physicochemical variation, residue mobility, and thermodynamic stability) performed at Invitae indicates that this missense variant is not expected to disrupt PACS2 protein function with a negative predictive value of 80%. In summary, the available evidence is currently insufficient to determine the role of this variant in disease. Therefore, it has been classified as a Variant of Uncertain Significance.